The following is an entry in ClinVar:

NM_006940.4:c.1489-7709_1771+1399del

Gene: SOX5 (SRY-box transcription factor 5; minus strand).
Variant type: Deletion.
Identifiers: ClinVar variation 978115 (VCV000978115.2).

ClinVar aggregate classification (germline): Likely pathogenic (1 of 4 stars; one submission).

Conditions:
Lamb-Shaffer syndrome. Identifiers: Orphanet 313884, Orphanet 313892, Orphanet 530983, MedGen C4225202, MONDO:0014778, OMIM 616803.

Submission:

New York Genome Center
Classification: Likely pathogenic for Lamb-Shaffer syndrome. Last evaluated: 2020-01-16. Review status: criteria provided, single submitter. Criteria: NYGC Assertion Criteria 2020. Collection method: clinical testing. Allele origin: de novo. Affected: yes. Observed: 1 heterozygote. Study: CSER-NYCKidSeq.
Comment: The de novo variant c.1489-7709_1771+1399del encompasses exons12 and 13 of SOX5 gene and has not been reported in the literature. This variant is not reported in gnomAD SVs v2.1 database,indicating this is a rare allele. The deletion of exons 12 and13 is predicted to cause an out of frame deletion that would create a frameshift at amino acid497 and premature stop further downstream [PMID: 24681721]. In silico tool predicts the variant is expected to result in an absent protein product through nonsense-mediated mRNAdecay [PMID: 24681721]. Based on the available evidence, the de novo variant c.1489-7709_1771+1399del, p.Glu497Aspfs*7 in the SOX5 gene is classified as likely pathogenic.